The following is an entry in ClinVar:

NM_000135.4(FANCA):c.3240G>A (p.Arg1080=)

Gene: FANCA (FA complementation group A; minus strand). Cytogenetic location: 16q24.3.
Variant type: single nucleotide variant.
Coding change: c.3240G>A on transcript NM_000135.4 (MANE Select); coding-DNA position 3240, G replaced by A.
Protein change: p.Arg1080=; no amino-acid change (arginine 1080 retained).
Molecular consequence: synonymous variant.
Genome position (GRCh38, 1-based): chr16:89,748,767, C>T on the plus strand (G>A on the coding strand, the complement: FANCA is on the minus strand). VCF-style: chr16-89748767-C-T. GRCh37 (hg19) VCF-style: chr16-89815175-C-T.
Other names: c.3240G>A, p.Arg1080= (NM_001286167.3).
Identifiers: ClinVar variation 1896586 (VCV001896586.6), dbSNP rs2544126383, ClinGen allele CA497195939.
Genomic context (GRCh38, chr16:89,748,767, plus strand): 5'-GGGCTGTTCTGCCTGGAAGCTGCTGCCGCAGAGGACAGACGAAGGCAGGCGGAGGAGGAT[C>T]CTGGAAAGAAGGGGCTGTATTGGTGGCGACAGCACAGCGTACACTCTGCTCCTTCCCAAG-3'
Protein context (NP_000126.2, residues 1070-1090): QRQRELLMYK[Arg1080=]ILLRLPSSVL

ClinVar aggregate classification (germline): Conflicting classifications of pathogenicity. Review status: criteria provided, conflicting classifications (1 of 4 stars). 2 submissions from 2 submitters: Uncertain significance (1); Likely benign (1). Last evaluated 2026-01-14.

Conditions:
Fanconi anemia (FA). Also called: Fanconi's anemia. Identifiers: Orphanet 84, MedGen C0015625, MeSH D005199, MONDO:0019391.
Inborn genetic diseases. Identifiers: MedGen C0950123, MeSH D030342.

Allele frequency attached by ClinVar (database versions not stated): gnomAD exomes below 0.00001.

Submissions (2):

Ambry Genetics
Classification: Likely benign for Inborn genetic diseases. Last evaluated: 2026-01-14. Review status: criteria provided, single submitter. Criteria: Ambry Variant Classification Scheme 2023. Collection method: clinical testing. Allele origin: germline.

Labcorp Genetics (formerly Invitae), Labcorp
Classification: Uncertain significance for Fanconi anemia. Last evaluated: 2022-07-02. Review status: criteria provided, single submitter. Criteria: Invitae Variant Classification Sherloc (09022015). Collection method: clinical testing. Allele origin: germline.
Comment: This variant has not been reported in the literature in individuals affected with FANCA-related conditions. Algorithms developed to predict the effect of sequence changes on RNA splicing suggest that this variant is not likely to affect RNA splicing. In summary, the available evidence is currently insufficient to determine the role of this variant in disease. Therefore, it has been classified as a Variant of Uncertain Significance. This sequence change affects codon 1080 of the FANCA mRNA. It is a 'silent' change, meaning that it does not change the encoded amino acid sequence of the FANCA protein. It affects a nucleotide within the consensus splice site. This variant is not present in population databases (gnomAD no frequency).